The following is an entry in ClinVar:

NM_001291303.3(FAT4):c.7966A>C (p.Lys2656Gln)

Gene: FAT4 (FAT atypical cadherin 4; plus strand). Cytogenetic location: 4q28.1.
Variant type: single nucleotide variant.
Coding change: c.7966A>C on transcript NM_001291303.3 (MANE Select); coding-DNA position 7966, A replaced by C.
Protein change: p.Lys2656Gln; replaces lysine 2656 with glutamine.
Molecular consequence: missense variant.
Genome position (GRCh38, 1-based): chr4:125,448,976, A>C. VCF-style: chr4-125448976-A-C. GRCh37 (hg19) VCF-style: chr4-126370131-A-C.
Other names: c.7966A>C, p.Lys2656Gln (NM_001291285.3); c.7960A>C, p.Lys2654Gln (NM_024582.6); c.7960A>C (NM_024582.5); short protein forms K2656Q, K2654Q.
Identifiers: ClinVar variation 221915 (VCV000221915.6), dbSNP rs760398912, ClinGen allele CA071635.

ClinVar aggregate classification (germline): Conflicting classifications of pathogenicity. Review status: criteria provided, conflicting classifications (1 of 4 stars). 4 submissions from 4 submitters: Uncertain significance (2); Likely benign (2). Last evaluated 2024-10-22.

Conditions:
Van Maldergem syndrome 2 (VMLDS2). Identifiers: Orphanet 314679, MedGen C3809875, MONDO:0014242, OMIM 615546.
Hennekam lymphangiectasia-lymphedema syndrome 2 (HKLLS2). Identifiers: Orphanet 2136, MedGen C4014939, MONDO:0014454, OMIM 616006.
Anophthalmia-microphthalmia syndrome. Also called: Anophthalmia/Microphthalmia; Anophthalmia - microphthalmia. Identifiers: Orphanet 98555, MedGen C5680330, MONDO:0020147.

Allele frequency attached by ClinVar (database versions not stated): gnomAD exomes 0.00001 and 0.00002; ExAC 0.00002; gnomAD 0.00002; TOPMed 0.00002.
gnomAD v4.1: 40 of 1,613,836 alleles (0.0025%); highest among the groups gnomAD compares: Middle Eastern, 0.049%; no homozygotes.

Submissions (4):

Labcorp Genetics (formerly Invitae), Labcorp
Classification: Uncertain significance. Last evaluated: 2024-10-22. Review status: criteria provided, single submitter. Criteria: Invitae Variant Classification Sherloc (09022015). Collection method: clinical testing. Allele origin: germline.
Comment: This sequence change replaces lysine, which is basic and polar, with glutamine, which is neutral and polar, at codon 2654 of the FAT4 protein (p.Lys2654Gln). This variant is present in population databases (rs760398912, gnomAD 0.003%). This variant has not been reported in the literature in individuals affected with FAT4-related conditions. ClinVar contains an entry for this variant (Variation ID: 221915). Invitae Evidence Modeling of protein sequence and biophysical properties (such as structural, functional, and spatial information, amino acid conservation, physicochemical variation, residue mobility, and thermodynamic stability) indicates that this missense variant is not expected to disrupt FAT4 protein function with a negative predictive value of 80%. In summary, the available evidence is currently insufficient to determine the role of this variant in disease. Therefore, it has been classified as a Variant of Uncertain Significance.

Fulgent Genetics
Classification: Uncertain significance for Van Maldergem syndrome 2; Hennekam lymphangiectasia-lymphedema syndrome 2. Last evaluated: 2024-03-07. Review status: criteria provided, single submitter. Criteria: ACMG Guidelines, 2015. Collection method: clinical testing. Allele origin: germline.

Paul Sabatier University EA-4555, Paul Sabatier University
Classification: Likely benign. Last evaluated: 2013-01-01. Review status: criteria provided, single submitter. Criteria: Chassaing et al. (Genome Res. 2016). Collection method: clinical testing. Allele origin: inherited. Affected: yes. Observed: 1 heterozygote.

Breakthrough Genomics
Classification: Likely benign. Review status: criteria provided, single submitter. Criteria: ACMG Guidelines, 2015. Collection method: not provided. Allele origin: germline. Inheritance: Autosomal recessive inheritance. Affected: yes.